The following is an entry in ClinVar:

NM_007294.4(BRCA1):c.726del (p.Ser242fs)

Gene: BRCA1 (BRCA1 DNA repair associated; minus strand). Cytogenetic location: 17q21.31.
Variant type: Deletion.
Coding change: c.726del on transcript NM_007294.4 (MANE Select); coding-DNA position 726, one base deleted (T; older notation c.726delT).
Protein change: p.Ser242fs; shifts the reading frame from serine 242.
Molecular consequence: frameshift variant. On other transcripts: non-coding transcript variant (1).
Genome position (GRCh38, 1-based): chr17:43,094,805, A deleted on the plus strand (T on the coding strand, the reverse complement: BRCA1 is on the minus strand). VCF-style (leftmost placement, unchanged base first): chr17-43094804-TA-T. GRCh37 (hg19) VCF-style: chr17-41246821-TA-T.
Other names: c.603delT, p.Ser201Argfs (NM_001408427.1, NM_001408428.1, NM_001408429.1 and 34 more transcripts); c.600delT, p.Ser200Argfs (NM_001408432.1, NM_001408433.1, NM_001408434.1 and 20 more transcripts); c.516delT, p.Ser172Argfs (NM_001408481.1, NM_001408482.1, NM_001408483.1 and 25 more transcripts); c.513delT, p.Ser171Argfs (NM_001408490.1, NM_001408491.1, NM_001408493.1 and 12 more transcripts); c.522delT, p.Ser174Argfs (NM_001408475.1, NM_001407874.1, NM_001407875.1); c.525delT, p.Ser175Argfs (NM_001408476.1, NM_001407862.1, NM_001408474.1); c.585delT, p.Ser195Argfs (NM_001408458.1, NM_001408459.1, NM_001408460.1 and 42 more transcripts); c.591delT, p.Ser197Argfs (NM_001408451.1); and 17 more; short protein forms S195fs, S242fs.
Identifiers: ClinVar variation 2435173 (VCV002435173.7), dbSNP rs2552230383, ClinGen allele CA2499224582.

ClinVar aggregate classification (germline): Pathogenic. Review status: criteria provided, multiple submitters, no conflicts (2 of 4 stars). 3 submissions from 3 submitters: Pathogenic (3). Last evaluated 2025-05-15.

Conditions:
Hereditary cancer-predisposing syndrome. Also called: Hereditary Cancer Syndrome; Neoplastic Syndromes, Hereditary; Tumor predisposition; Hereditary neoplastic syndrome. Identifiers: Orphanet 140162, MedGen C0027672, MeSH D009386, MONDO:0015356.
Hereditary breast ovarian cancer syndrome. Also called: Hereditary breast and ovarian cancer syndrome; Hereditary breast and ovarian cancer syndrome (HBOC); Breast and ovarian cancer; Hereditary breast and/or ovarian cancer syndrome; Hereditary breast and ovarian cancer; BRCA1- and BRCA2-Associated Hereditary Breast and Ovarian Cancer. Identifiers: Orphanet 145, MedGen C0677776, MeSH D061325, MONDO:0003582. Disease mechanism: loss of function.

Submissions (3):

Labcorp Genetics (formerly Invitae), Labcorp
Classification: Pathogenic for Hereditary breast ovarian cancer syndrome. Last evaluated: 2025-05-15. Review status: criteria provided, single submitter. Criteria: Invitae Variant Classification Sherloc (09022015). Collection method: clinical testing. Allele origin: germline.
Comment: This sequence change creates a premature translational stop signal (p.Ser242Argfs*5) in the BRCA1 gene. It is expected to result in an absent or disrupted protein product. Loss-of-function variants in BRCA1 are known to be pathogenic (PMID: 20104584). This variant is not present in population databases (gnomAD no frequency). This premature translational stop signal has been observed in individual(s) with breast cancer (PMID: 26757417, 28993434). ClinVar contains an entry for this variant (Variation ID: 2435173). For these reasons, this variant has been classified as Pathogenic.

Ambry Genetics
Classification: Pathogenic for Hereditary cancer-predisposing syndrome. Last evaluated: 2024-08-20. Review status: criteria provided, single submitter. Criteria: Ambry Variant Classification Scheme 2023. Collection method: clinical testing. Allele origin: germline.
Comment: The c.726delT pathogenic mutation, located in coding exon 9 of the BRCA1 gene, results from a deletion of one nucleotide at nucleotide position 726, causing a translational frameshift with a predicted alternate stop codon (p.S242Rfs*5). This variant has been detected in patients with breast cancer from a Malaysian cohort (Ng PS et al. Clin Genet, 2016 Oct;90:315-23; Wen WX et al. J Med Genet, 2018 Feb;55:97-103). This variant is considered to be rare based on population cohorts in the Genome Aggregation Database (gnomAD). In addition to the clinical data presented in the literature, this alteration is expected to result in loss of function by premature protein truncation or nonsense-mediated mRNA decay. As such, this alteration is interpreted as a disease-causing mutation.

Revvity Omics, Revvity
Classification: Pathogenic. Last evaluated: 2022-12-02. Review status: criteria provided, single submitter. Criteria: ACMG Guidelines, 2015. Collection method: clinical testing. Allele origin: germline.

Literature cited by the submitters: PubMed 20104584 (cited by Labcorp Genetics (formerly Invitae), Labcorp); PubMed 26757417 (cited by Labcorp Genetics (formerly Invitae), Labcorp and Ambry Genetics); PubMed 28993434 (cited by Labcorp Genetics (formerly Invitae), Labcorp and Ambry Genetics).